The following is an entry in ClinVar:

ClinVar aggregate classification (germline): Likely benign. Review status: criteria provided, multiple submitters, no conflicts (2 of 4 stars). 2 submissions from 2 submitters: Likely benign (2). Last evaluated 2018-01-12.

Conditions:
Methylmalonic aciduria, cblB type (MACB). Also called: Vitamin B12-responsive methylmalonic acidemia type cblB; METHYLMALONIC ACIDURIA, VITAMIN B12-RESPONSIVE, DUE TO DEFECT IN SYNTHESIS OF ADENOSYLCOBALAMIN, cblB TYPE; Methylmalonic acidemia cblB type. Identifiers: Orphanet 28, Orphanet 79311, MedGen C1855102, MONDO:0009614, OMIM 251110.

Allele frequency attached by ClinVar (database versions not stated): 1000 Genomes Project 30x 0.03357; gnomAD 0.05424; ExAC 0.05684; 1000 Genomes Project 0.03534; TOPMed 0.04181.
gnomAD v4.1: 25,077 of 451,268 alleles (5.6%); highest among the groups gnomAD compares: Non-Finnish European, 6.6%; 851 homozygotes.

Submissions (2):

Illumina Laboratory Services, Illumina
Classification: Likely benign for Methylmalonic aciduria, cblB type. Last evaluated: 2018-01-12. Review status: criteria provided, single submitter. Criteria: ICSL Variant Classification Criteria 13 December 2019. Collection method: clinical testing. Allele origin: germline.
Comment: This variant was observed in the ICSL laboratory as part of a predisposition screen in an ostensibly healthy population. It had not been previously curated by ICSL or reported in the Human Gene Mutation Database (HGMD: prior to June 1st, 2018), and was therefore a candidate for classification through an automated scoring system. Utilizing variant allele frequency, disease prevalence and penetrance estimates, and inheritance mode, an automated score was calculated to assess if this variant is too frequent to cause the disease. Based on the score and internal cut-off values, a variant classified as likely benign is not then subjected to further curation. The score for this variant resulted in a classification of likely benign for this disease.

Breakthrough Genomics
Classification: Likely benign. Review status: criteria provided, single submitter. Criteria: ACMG Guidelines, 2015. Collection method: not provided. Allele origin: germline. Inheritance: Autosomal recessive inheritance. Affected: yes.

NM_052845.4(MMAB):c.*1409G>A

Gene: MMAB (metabolism of cobalamin associated B; minus strand). Cytogenetic location: 12q24.11.
Variant type: single nucleotide variant.
Coding change: c.*1409G>A on transcript NM_052845.4 (MANE Select); 1409 bases downstream of the stop codon, G replaced by A.
Molecular consequence: 3 prime UTR variant. On other transcripts: non-coding transcript variant (1).
Genome position (GRCh38, 1-based): chr12:109,555,619, C>T on the plus strand (G>A on the coding strand, the complement: MMAB is on the minus strand). VCF-style: chr12-109555619-C-T. GRCh37 (hg19) VCF-style: chr12-109993424-C-T.
Identifiers: ClinVar variation 307038 (VCV000307038.6), dbSNP rs72650177, ClinGen allele CA6778628.